The following is an entry in ClinVar:

NM_001018115.3(FANCD2):c.3274C>T (p.His1092Tyr)

Genes: FANCD2 (FA complementation group D2; plus strand), FANCD2OS (FANCD2 opposite strand; minus strand). Cytogenetic location: 3p25.3.
Variant type: single nucleotide variant.
Coding change: c.3274C>T on transcript NM_001018115.3 (MANE Select); coding-DNA position 3274, C replaced by T.
Protein change: p.His1092Tyr; replaces histidine 1092 with tyrosine.
Molecular consequence: missense variant. On other transcripts: intron variant (1).
Genome position (GRCh38, 1-based): chr3:10,085,861, C>T. VCF-style: chr3-10085861-C-T. GRCh37 (hg19) VCF-style: chr3-10127545-C-T.
Other names: c.3274C>T, p.His1092Tyr (NM_033084.6, NM_001319984.2, NM_001374254.1); c.*44-4330G>A (NM_173472.2); c.3163C>T, p.His1055Tyr (NM_001374253.1); short protein forms H1092Y, H1055Y.
Identifiers: ClinVar variation 2069053 (VCV002069053.4), dbSNP rs2470034430, ClinGen allele CA351751209.

ClinVar aggregate classification (germline): Uncertain significance (1 of 4 stars; one submission).

Conditions:
Fanconi anemia (FA). Also called: Fanconi's anemia. Identifiers: Orphanet 84, MedGen C0015625, MeSH D005199, MONDO:0019391.

gnomAD v4.1: 1 of 1,613,818 alleles (0.000062%); highest among the groups gnomAD compares: East Asian, 0.0022%; no homozygotes.

Submission:

Labcorp Genetics (formerly Invitae), Labcorp
Classification: Uncertain significance for Fanconi anemia. Last evaluated: 2025-07-21. Review status: criteria provided, single submitter. Criteria: Invitae Variant Classification Sherloc (09022015). Collection method: clinical testing. Allele origin: germline.
Comment: This sequence change replaces histidine, which is basic and polar, with tyrosine, which is neutral and polar, at codon 1092 of the FANCD2 protein (p.His1092Tyr). This variant is not present in population databases (gnomAD no frequency). This variant has not been reported in the literature in individuals affected with FANCD2-related conditions. ClinVar contains an entry for this variant (Variation ID: 2069053). Invitae Evidence Modeling of protein sequence and biophysical properties (such as structural, functional, and spatial information, amino acid conservation, physicochemical variation, residue mobility, and thermodynamic stability) indicates that this missense variant is not expected to disrupt FANCD2 protein function with a negative predictive value of 80%. In summary, the available evidence is currently insufficient to determine the role of this variant in disease. Therefore, it has been classified as a Variant of Uncertain Significance.